The following is an entry in ClinVar:

NM_017534.6(MYH2):c.505+2T>C

Genes: MYHAS (myosin heavy chain gene cluster antisense RNA; plus strand), MYH2 (myosin heavy chain 2; minus strand). Cytogenetic location: 17p13.1.
Variant type: single nucleotide variant.
Coding change: c.505+2T>C on transcript NM_017534.6 (MANE Select); the canonical splice donor site of the intron after coding-DNA position 505, T replaced by C.
Molecular consequence: splice donor variant.
Genome position (GRCh38, 1-based): chr17:10,545,344, A>G on the plus strand (T>C on the coding strand, the complement: MYH2 is on the minus strand). VCF-style: chr17-10545344-A-G. GRCh37 (hg19) VCF-style: chr17-10448661-A-G.
Other names: c.505+2T>C (NM_001100112.2).
Identifiers: ClinVar variation 4696660 (VCV004696660.1).

ClinVar aggregate classification (germline): Likely pathogenic (1 of 4 stars; one submission).

Conditions:
Myopathy, proximal, and ophthalmoplegia (CMYO6). Also called: INCLUSION BODY MYOPATHY 3, AUTOSOMAL DOMINANT; MYOPATHY WITH CONGENITAL JOINT CONTRACTURES, OPHTHALMOPLEGIA, AND RIMMED VACUOLES; CONGENITAL MYOPATHY 6 WITH OPHTHALMOPLEGIA. Identifiers: Orphanet 363677, Orphanet 79091, MedGen C1854106, MONDO:0011577, OMIM 605637.

Submission:

Labcorp Genetics (formerly Invitae), Labcorp
Classification: Likely pathogenic for Myopathy, proximal, and ophthalmoplegia. Last evaluated: 2025-03-20. Review status: criteria provided, single submitter. Criteria: Invitae Variant Classification Sherloc (09022015). Collection method: clinical testing. Allele origin: germline.
Comment: This sequence change affects a donor splice site in intron 5 of the MYH2 gene. It is expected to disrupt RNA splicing. Variants that disrupt the donor or acceptor splice site typically lead to a loss of protein function (PMID: 16199547), and loss-of-function variants in MYH2 are known to be pathogenic (PMID: 20418530, 23388406, 24193343). This variant is not present in population databases (gnomAD no frequency). This variant has not been reported in the literature in individuals affected with MYH2-related conditions. Algorithms developed to predict the effect of sequence changes on RNA splicing suggest that this variant may disrupt the consensus splice site. In summary, the currently available evidence indicates that the variant is pathogenic, but additional data are needed to prove that conclusively. Therefore, this variant has been classified as Likely Pathogenic.

Literature cited by the submitters: PubMed 16199547; PubMed 20418530; PubMed 23388406; PubMed 24193343.